The following is an entry in ClinVar:

ClinVar aggregate classification (germline): Uncertain significance. Review status: criteria provided, multiple submitters, no conflicts (2 of 4 stars). 2 submissions from 2 submitters: Uncertain significance (2). Last evaluated 2024-11-22.

Conditions:
Inborn genetic diseases. Identifiers: MedGen C0950123, MeSH D030342.
Mosaic variegated aneuploidy syndrome 2 (MVA2). Identifiers: Orphanet 1052, MedGen C3279843, MONDO:0013582, OMIM 614114.

Allele frequency attached by ClinVar (database versions not stated): TOPMed below 0.00001; gnomAD exomes 0.00001.
gnomAD v4.1: 10 of 1,612,012 alleles (0.00062%); highest among the groups gnomAD compares: Non-Finnish European, 0.00076%; no homozygotes.

Submissions (2):

Ambry Genetics
Classification: Uncertain significance for Inborn genetic diseases. Last evaluated: 2024-11-22. Review status: criteria provided, single submitter. Criteria: Ambry Variant Classification Scheme 2023. Collection method: clinical testing. Allele origin: germline.
Comment: The p.S131T variant (also known as c.391T>A), located in coding exon 4 of the CEP57 gene, results from a T to A substitution at nucleotide position 391. The serine at codon 131 is replaced by threonine, an amino acid with similar properties. This amino acid position is conserved. In addition, this alteration is predicted to be tolerated by in silico analysis. Based on the available evidence, the clinical significance of this variant remains unclear.

Labcorp Genetics (formerly Invitae), Labcorp
Classification: Uncertain significance for Mosaic variegated aneuploidy syndrome 2. Last evaluated: 2022-04-19. Review status: criteria provided, single submitter. Criteria: Invitae Variant Classification Sherloc (09022015). Collection method: clinical testing. Allele origin: germline.
Comment: In summary, the available evidence is currently insufficient to determine the role of this variant in disease. Therefore, it has been classified as a Variant of Uncertain Significance. Algorithms developed to predict the effect of missense changes on protein structure and function are either unavailable or do not agree on the potential impact of this missense change (SIFT: "Tolerated"; PolyPhen-2: "Possibly Damaging"; Align-GVGD: "Class C0"). This variant has not been reported in the literature in individuals affected with CEP57-related conditions. This variant is not present in population databases (gnomAD no frequency). This sequence change replaces serine, which is neutral and polar, with threonine, which is neutral and polar, at codon 131 of the CEP57 protein (p.Ser131Thr).

NM_014679.5(CEP57):c.391T>A (p.Ser131Thr)

Gene: CEP57 (centrosomal protein 57; plus strand). Cytogenetic location: 11q21.
Variant type: single nucleotide variant.
Coding change: c.391T>A on transcript NM_014679.5 (MANE Select); coding-DNA position 391, T replaced by A.
Protein change: p.Ser131Thr; replaces serine 131 with threonine.
Molecular consequence: missense variant.
Genome position (GRCh38, 1-based): chr11:95,813,476, T>A. VCF-style: chr11-95813476-T-A. GRCh37 (hg19) VCF-style: chr11-95546640-T-A.
Other names: c.391T>A (NM_014679.4); c.364T>A, p.Ser122Thr (NM_001243776.2); c.391T>A, p.Ser131Thr (NM_001243777.2); c.310T>A, p.Ser104Thr (NM_001363604.2); short protein forms S104T, S122T, S131T.
Identifiers: ClinVar variation 2084828 (VCV002084828.5), dbSNP rs1862163986, ClinGen allele CA382421572.